The following is an entry in ClinVar:

NM_000038.6(APC):c.5626A>G (p.Arg1876Gly)

Gene: APC (APC regulator of Wnt signaling pathway; plus strand). Cytogenetic location: 5q22.2.
Variant type: single nucleotide variant.
Coding change: c.5626A>G on transcript NM_000038.6 (MANE Select); coding-DNA position 5626, A replaced by G.
Protein change: p.Arg1876Gly; replaces arginine 1876 with glycine.
Molecular consequence: missense variant.
Genome position (GRCh38, 1-based): chr5:112,841,220, A>G. VCF-style: chr5-112841220-A-G. GRCh37 (hg19) VCF-style: chr5-112176917-A-G.
Other names: c.5626A>G, p.Arg1876Gly (NM_001127510.3, NM_001354895.2, NM_001407450.1); c.5572A>G, p.Arg1858Gly (NM_001127511.3); c.5680A>G, p.Arg1894Gly (NM_001354896.2, NM_001407447.1, NM_001407448.1 and 1 more transcripts); c.5656A>G, p.Arg1886Gly (NM_001354897.2); c.5551A>G, p.Arg1851Gly (NM_001354898.2); c.5542A>G, p.Arg1848Gly (NM_001354899.2); c.5503A>G, p.Arg1835Gly (NM_001354900.2); c.5449A>G, p.Arg1817Gly (NM_001354901.2, NM_001407453.1); and 12 more; short protein forms R1492G, R1593G, R1716G, R1747G, R1750G, R1775G, R1785G, R1793G.
Identifiers: ClinVar variation 1718439 (VCV001718439.8), dbSNP rs2149945000, ClinGen allele CA16033644.

ClinVar aggregate classification (germline): Uncertain significance. Review status: criteria provided, multiple submitters, no conflicts (2 of 4 stars). 3 submissions from 3 submitters: Uncertain significance (3). Last evaluated 2026-01-04.

Conditions:
Hereditary cancer-predisposing syndrome. Also called: Tumor predisposition; Hereditary Cancer Syndrome; Hereditary neoplastic syndrome; Neoplastic Syndromes, Hereditary. Identifiers: Orphanet 140162, MedGen C0027672, MeSH D009386, MONDO:0015356.
Familial adenomatous polyposis 1 (FAP1). Also called: FAMILIAL ADENOMATOUS POLYPOSIS 1, ATTENUATED; POLYPOSIS, ADENOMATOUS INTESTINAL. Identifiers: MedGen C2713442, MONDO:0021056, OMIM 175100. Disease mechanism: loss of function.

Submissions (3):

Ambry Genetics
Classification: Uncertain significance for Hereditary cancer-predisposing syndrome. Last evaluated: 2026-01-04. Review status: criteria provided, single submitter. Criteria: Ambry Variant Classification Scheme 2023. Collection method: clinical testing. Allele origin: germline.
Comment: The p.R1876G variant (also known as c.5626A>G), located in coding exon 15 of the APC gene, results from an A to G substitution at nucleotide position 5626. The arginine at codon 1876 is replaced by glycine, an amino acid with dissimilar properties. This amino acid position is conserved. In addition, in silico predictors for this gene do not accurately predict pathogenicity. Based on the available evidence, the clinical significance of this variant remains unclear.

Color Diagnostics, LLC DBA Color Health
Classification: Uncertain significance for Hereditary cancer-predisposing syndrome. Last evaluated: 2025-06-12. Review status: criteria provided, single submitter. Criteria: ACMG Guidelines, 2015. Collection method: clinical testing. Allele origin: germline.
Comment: This missense variant replaces arginine with glycine at codon 1876 of the APC protein. Computational prediction suggests that this variant may not impact protein structure and function. To our knowledge, functional studies have not been reported for this variant. This variant has not been reported in individuals affected with APC-related disorders in the literature. This variant has not been identified in the general population by the Genome Aggregation Database (gnomAD). The available evidence is insufficient to determine the role of this variant in disease conclusively. Therefore, this variant is classified as a Variant of Uncertain Significance.

Labcorp Genetics (formerly Invitae), Labcorp
Classification: Uncertain significance for Familial adenomatous polyposis 1. Last evaluated: 2024-06-06. Review status: criteria provided, single submitter. Criteria: Invitae Variant Classification Sherloc (09022015). Collection method: clinical testing. Allele origin: germline.
Comment: This sequence change replaces arginine, which is basic and polar, with glycine, which is neutral and non-polar, at codon 1876 of the APC protein (p.Arg1876Gly). This variant is not present in population databases (gnomAD no frequency). This variant has not been reported in the literature in individuals affected with APC-related conditions. ClinVar contains an entry for this variant (Variation ID: 1718439). Advanced modeling of protein sequence and biophysical properties (such as structural, functional, and spatial information, amino acid conservation, physicochemical variation, residue mobility, and thermodynamic stability) performed at Invitae indicates that this missense variant is not expected to disrupt APC protein function with a negative predictive value of 95%. In summary, the available evidence is currently insufficient to determine the role of this variant in disease. Therefore, it has been classified as a Variant of Uncertain Significance.